The following is an entry in ClinVar:

ClinVar aggregate classification (germline): Uncertain significance (1 of 4 stars; one submission).

Conditions:
Cardiovascular phenotype. Identifiers: MedGen CN230736.
Hereditary cancer-predisposing syndrome. Also called: Neoplastic Syndromes, Hereditary; Tumor predisposition; Hereditary Cancer Syndrome; Hereditary neoplastic syndrome. Identifiers: Orphanet 140162, MedGen C0027672, MeSH D009386, MONDO:0015356.

gnomAD v4.1: 1 of 1,613,510 alleles (0.000062%); highest among the groups gnomAD compares: Non-Finnish European, 0.000085%; no homozygotes.

Submission:

Ambry Genetics
Classification: Uncertain significance for Cardiovascular phenotype; Hereditary cancer-predisposing syndrome. Last evaluated: 2026-06-14. Review status: criteria provided, single submitter. Criteria: Ambry Variant Classification Scheme 2023. Collection method: clinical testing. Allele origin: germline.
Comment: The p.Q2245R variant (also known as c.6734A>G), located in coding exon 44 of the NF1 gene, results from an A to G substitution at nucleotide position 6734. The glutamine at codon 2245 is replaced by arginine, an amino acid with highly similar properties. This amino acid position is conserved. In addition, this alteration is predicted to be deleterious by in silico analysis. Based on the available evidence, the clinical significance of this variant remains unclear.

NM_001042492.3(NF1):c.6797A>G (p.Gln2266Arg)

Gene: NF1 (neurofibromin 1; plus strand). Cytogenetic location: 17q11.2.
Variant type: single nucleotide variant.
Coding change: c.6797A>G on transcript NM_001042492.3 (MANE Select); coding-DNA position 6797, A replaced by G.
Protein change: p.Gln2266Arg; replaces glutamine 2266 with arginine.
Molecular consequence: missense variant.
Genome position (GRCh38, 1-based): chr17:31,338,117, A>G. VCF-style: chr17-31338117-A-G. GRCh37 (hg19) VCF-style: chr17-29665135-A-G.
Other names: c.6734A>G, p.Gln2245Arg (NM_000267.4); short protein forms Q2245R, Q2266R.
Identifiers: ClinVar variation 4861003 (VCV004861003.1).